The following is an entry in ClinVar:

NM_000455.5(STK11):c.375del (p.Met125fs)

Gene: STK11 (serine/threonine kinase 11; plus strand). Cytogenetic location: 19p13.3.
Variant type: Deletion.
Coding change: c.375del on transcript NM_000455.5 (MANE Select); coding-DNA position 375, one base deleted (G; older notation c.375delG).
Protein change: p.Met125fs; shifts the reading frame from methionine 125.
Molecular consequence: frameshift variant. On other transcripts: non-coding transcript variant (1).
Genome position (GRCh38, 1-based): chr19:1,219,324, G deleted. VCF-style (leftmost placement, unchanged base first): chr19-1219323-CG-C. GRCh37 (hg19) VCF-style: chr19-1219322-CG-C.
Other names: c.375del, p.Met125fs (NM_001407255.1); short protein forms M125fs.
Identifiers: ClinVar variation 2750341 (VCV002750341.3), dbSNP rs2512940172, ClinGen allele CA2697555594.
Genomic context (GRCh38, chr19:1,219,323, plus strand): 5'-CCGTGCTCCCTGGGCCTGTGAGTGGGGCCGCCCCCTGAGCTGTGTGTCCTTAGCGCCCCA[CG>C]TATATGGTGATGGAGTACTGCGTGTGTGGCATGCAGGAAATGCTGGACAGCGTGCCGGAG-3'

ClinVar aggregate classification (germline): Pathogenic (1 of 4 stars; one submission).

Conditions:
Peutz-Jeghers syndrome (PJS). Also called: Peutz-Jeghers polyposis; Periorificial lentiginosis syndrome; POLYPOSIS, HAMARTOMATOUS INTESTINAL; POLYPS-AND-SPOTS SYNDROME. Identifiers: Orphanet 2869, MedGen C0031269, MeSH D010580, MONDO:0008280, OMIM 175200.

Submission:

Labcorp Genetics (formerly Invitae), Labcorp
Classification: Pathogenic for Peutz-Jeghers syndrome. Last evaluated: 2023-08-04. Review status: criteria provided, single submitter. Criteria: Invitae Variant Classification Sherloc (09022015). Collection method: clinical testing. Allele origin: germline.
Comment: This sequence change creates a premature translational stop signal (p.Met125Ilefs*4) in the STK11 gene. It is expected to result in an absent or disrupted protein product. Loss-of-function variants in STK11 are known to be pathogenic (PMID: 15188174, 16287113). This variant is not present in population databases (gnomAD no frequency). This variant has not been reported in the literature in individuals affected with STK11-related conditions. For these reasons, this variant has been classified as Pathogenic.

Literature cited by the submitters: PubMed 15188174; PubMed 16287113.